The following is an entry in ClinVar:

ClinVar aggregate classification (germline): Benign. Review status: criteria provided, multiple submitters, no conflicts (2 of 4 stars). 3 submissions from 3 submitters: Benign (2). 1 of the submissions does not count toward it. Last evaluated 2024-01-01.

Conditions:
HSPA1L-related disorder. Also called: HSPA1L-related condition.

Allele frequency attached by ClinVar (database versions not stated): ESP Exome Variant Server 0.00408; gnomAD 0.00446 and 0.00511; TOPMed 0.00535; gnomAD exomes 0.00569 and 0.00725; ExAC 0.00694; 1000 Genomes Project 30x 0.00796; 1000 Genomes Project 0.00899.

Submissions (3):

CeGaT Center for Human Genetics Tuebingen
Classification: Benign. Last evaluated: 2024-01-01. Review status: criteria provided, single submitter. Criteria: CeGaT Center For Human Genetics Tuebingen Variant Classification Criteria Version 2. Collection method: clinical testing. Allele origin: germline. Affected: yes. Observed: 2 variant alleles.
Comment: HSPA1L: BP4, BP7, BS1, BS2

Labcorp Genetics (formerly Invitae), Labcorp
Classification: Benign. Last evaluated: 2019-12-31. Review status: criteria provided, single submitter. Criteria: Invitae Variant Classification Sherloc (09022015). Collection method: clinical testing. Allele origin: germline.

PreventionGenetics, part of Exact Sciences
Classification: Benign for HSPA1L-related condition. Last evaluated: 2019-06-30. Review status: no assertion criteria provided. Collection method: clinical testing. Allele origin: germline. Not counted in ClinVar's aggregate classification.
Comment: This variant is classified as benign based on ACMG/AMP sequence variant interpretation guidelines (Richards et al. 2015 PMID: 25741868, with internal and published modifications).

NM_005527.4(HSPA1L):c.1443C>T (p.Asp481=)

Gene: HSPA1L (heat shock protein family A (Hsp70) member 1 like; minus strand). Cytogenetic location: 6p21.33.
Variant type: single nucleotide variant.
Coding change: c.1443C>T on transcript NM_005527.4 (MANE Select); coding-DNA position 1443, C replaced by T.
Protein change: p.Asp481=; no amino-acid change (aspartic acid 481 retained).
Molecular consequence: synonymous variant.
Genome position (GRCh38, 1-based): chr6:31,810,530, G>A on the plus strand (C>T on the coding strand, the complement: HSPA1L is on the minus strand). VCF-style: chr6-31810530-G-A. GRCh37 (hg19) VCF-style: chr6-31778307-G-A.
Identifiers: ClinVar variation 783631 (VCV000783631.29), dbSNP rs2227957, ClinGen allele CA3723907.